The following is an entry in ClinVar:

NM_000268.4(NF2):c.554A>T (p.Glu185Val)

Gene: NF2 (NF2, moesin-ezrin-radixin like (MERLIN) tumor suppressor; plus strand). Cytogenetic location: 22q12.2.
Variant type: single nucleotide variant.
Coding change: c.554A>T on transcript NM_000268.4 (MANE Select); coding-DNA position 554, A replaced by T.
Protein change: p.Glu185Val; replaces glutamic acid 185 with valine.
Molecular consequence: missense variant. On other transcripts: intron variant (1).
Genome position (GRCh38, 1-based): chr22:29,655,631, A>T. VCF-style: chr22-29655631-A-T. GRCh37 (hg19) VCF-style: chr22-30051620-A-T.
Other names: c.431A>T, p.Glu144Val (NM_001407054.1, NM_001407058.1, NM_001407062.1 and 1 more transcripts); c.440A>T, p.Glu147Val (NM_001407056.1, NM_001407053.1); c.428A>T, p.Glu143Val (NM_001407055.1, NM_181828.3); c.554A>T, p.Glu185Val (NM_001407057.1, NM_001407059.1, NM_001407060.1 and 4 more transcripts); c.305A>T, p.Glu102Val (NM_001407064.1, NM_001407063.1, NM_181830.3 and 1 more transcripts); c.20A>T, p.Glu7Val (NM_001407065.1); c.323A>T, p.Glu108Val (NM_001407067.1); c.447+13346A>T (NM_181833.3); short protein forms E147V, E102V, E144V, E185V, E108V, E7V, E143V.
Identifiers: ClinVar variation 3299446 (VCV003299446.1).

ClinVar aggregate classification (germline): Uncertain significance (1 of 4 stars; one submission).

Conditions:
Hereditary cancer-predisposing syndrome. Also called: Tumor predisposition; Hereditary Cancer Syndrome; Hereditary neoplastic syndrome; Neoplastic Syndromes, Hereditary. Identifiers: Orphanet 140162, MedGen C0027672, MeSH D009386, MONDO:0015356.

Submission:

Ambry Genetics
Classification: Uncertain significance for Hereditary cancer-predisposing syndrome. Last evaluated: 2024-06-13. Review status: criteria provided, single submitter. Criteria: Ambry Variant Classification Scheme 2023. Collection method: clinical testing. Allele origin: germline.
Comment: The p.E185V variant (also known as c.554A>T), located in coding exon 6 of the NF2 gene, results from an A to T substitution at nucleotide position 554. The glutamic acid at codon 185 is replaced by valine, an amino acid with dissimilar properties. This amino acid position is conserved. In addition, this alteration is predicted to be deleterious by in silico analysis. Based on the available evidence, the clinical significance of this variant remains unclear.